The following is an entry in ClinVar:

ClinVar aggregate classification (germline): Uncertain significance (1 of 4 stars; one submission).

Allele frequency attached by ClinVar (database versions not stated): gnomAD exomes below 0.00001; TOPMed below 0.00001.
gnomAD v4.1: 4 of 1,614,066 alleles (0.00025%); highest among the groups gnomAD compares: Middle Eastern, 0.016%; no homozygotes.

Submission:

Labcorp Genetics (formerly Invitae), Labcorp
Classification: Uncertain significance. Last evaluated: 2022-01-18. Review status: criteria provided, single submitter. Criteria: Invitae Variant Classification Sherloc (09022015). Collection method: clinical testing. Allele origin: germline.
Comment: In summary, the available evidence is currently insufficient to determine the role of this variant in disease. Therefore, it has been classified as a Variant of Uncertain Significance. Algorithms developed to predict the effect of missense changes on protein structure and function are either unavailable or do not agree on the potential impact of this missense change (SIFT: "Not Available"; PolyPhen-2: "Possibly Damaging"; Align-GVGD: "Not Available"). This variant has not been reported in the literature in individuals affected with ADAMTS18-related conditions. This variant is present in population databases (no rsID available, gnomAD 0.0009%). This sequence change replaces glutamine, which is neutral and polar, with proline, which is neutral and non-polar, at codon 1055 of the ADAMTS18 protein (p.Gln1055Pro).

NM_199355.4(ADAMTS18):c.3164A>C (p.Gln1055Pro)

Gene: ADAMTS18 (ADAM metallopeptidase with thrombospondin type 1 motif 18; minus strand). Cytogenetic location: 16q23.1.
Variant type: single nucleotide variant.
Coding change: c.3164A>C on transcript NM_199355.4 (MANE Select); coding-DNA position 3164, A replaced by C.
Protein change: p.Gln1055Pro; replaces glutamine 1055 with proline.
Molecular consequence: missense variant.
Genome position (GRCh38, 1-based): chr16:77,293,101, T>G on the plus strand (A>C on the coding strand, the complement: ADAMTS18 is on the minus strand). VCF-style: chr16-77293101-T-G. GRCh37 (hg19) VCF-style: chr16-77326998-T-G.
Other names: c.2648A>C, p.Gln883Pro (NM_001326358.2); short protein forms Q883P, Q1055P.
Identifiers: ClinVar variation 2087635 (VCV002087635.4), dbSNP rs1431694422, ClinGen allele CA396832654.